The following is an entry in ClinVar:

NM_016038.4(SBDS):c.682A>G (p.Thr228Ala)

Gene: SBDS (SBDS ribosome maturation factor; minus strand). Cytogenetic location: 7q11.21.
Variant type: single nucleotide variant.
Coding change: c.682A>G on transcript NM_016038.4 (MANE Select); coding-DNA position 682, A replaced by G.
Protein change: p.Thr228Ala; replaces threonine 228 with alanine.
Molecular consequence: missense variant.
Genome position (GRCh38, 1-based): chr7:66,988,442, T>C on the plus strand (A>G on the coding strand, the complement: SBDS is on the minus strand). VCF-style: chr7-66988442-T-C. GRCh37 (hg19) VCF-style: chr7-66453429-T-C.
Other names: short protein forms T228A.
Identifiers: ClinVar variation 3792747 (VCV003792747.1).

ClinVar aggregate classification (germline): Uncertain significance (1 of 4 stars; one submission).

Conditions:
Inborn genetic diseases. Identifiers: MedGen C0950123, MeSH D030342.

Submission:

Ambry Genetics
Classification: Uncertain significance for Inborn genetic diseases. Last evaluated: 2025-02-21. Review status: criteria provided, single submitter. Criteria: Ambry Variant Classification Scheme 2023. Collection method: clinical testing. Allele origin: germline.
Comment: The p.T228A variant (also known as c.682A>G), located in coding exon 5 of the SBDS gene, results from an A to G substitution at nucleotide position 682. The threonine at codon 228 is replaced by alanine, an amino acid with similar properties. This amino acid position is conserved. In addition, this alteration is predicted to be deleterious by in silico analysis. Based on the available evidence, the clinical significance of this variant remains unclear.